The following is an entry in ClinVar:

ClinVar aggregate classification (germline): Uncertain significance. Review status: criteria provided, multiple submitters, no conflicts (2 of 4 stars). 2 submissions from 2 submitters: Uncertain significance (2). Last evaluated 2025-06-05.

Conditions:
Hereditary cancer-predisposing syndrome. Also called: Tumor predisposition; Hereditary Cancer Syndrome; Hereditary neoplastic syndrome; Neoplastic Syndromes, Hereditary. Identifiers: Orphanet 140162, MedGen C0027672, MeSH D009386, MONDO:0015356.

Submissions (2):

Ambry Genetics
Classification: Uncertain significance for Hereditary cancer-predisposing syndrome. Last evaluated: 2025-06-05. Review status: criteria provided, single submitter. Criteria: Ambry Variant Classification Scheme 2023. Collection method: clinical testing. Allele origin: germline.
Comment: The p.S2407L variant (also known as c.7220C>T), located in coding exon 48 of the ATM gene, results from a C to T substitution at nucleotide position 7220. The serine at codon 2407 is replaced by leucine, an amino acid with dissimilar properties. This amino acid position is highly conserved in available vertebrate species. In addition, this alteration is predicted to be deleterious by in silico analysis. Based on the available evidence, the clinical significance of this variant remains unclear.

Center for Genomic Medicine, Rigshospitalet, Copenhagen University Hospital
Classification: Uncertain significance. Last evaluated: 2025-03-04. Review status: criteria provided, single submitter. Criteria: ACMG Guidelines, 2015. Collection method: clinical testing. Allele origin: germline.

NM_000051.4(ATM):c.7220C>T (p.Ser2407Leu)

Genes: ATM (ATM serine/threonine kinase; plus strand), C11orf65 (chromosome 11 open reading frame 65; minus strand). Cytogenetic location: 11q22.3.
Variant type: single nucleotide variant.
Coding change: c.7220C>T on transcript NM_000051.4 (MANE Select); coding-DNA position 7220, C replaced by T.
Protein change: p.Ser2407Leu; replaces serine 2407 with leucine.
Molecular consequence: missense variant. On other transcripts: intron variant (2).
Genome position (GRCh38, 1-based): chr11:108,329,151, C>T. VCF-style: chr11-108329151-C-T. GRCh37 (hg19) VCF-style: chr11-108199878-C-T.
Other names: c.7220C>T, p.Ser2407Leu (NM_001351834.2); c.641-20080G>A (NM_001330368.2); c.*38+6069G>A (NM_001351110.2); short protein forms S2407L.
Identifiers: ClinVar variation 1802841 (VCV001802841.5), dbSNP rs1555122149, ClinGen allele CA382559662.